The following is an entry in ClinVar:

ClinVar aggregate classification (germline): Uncertain significance. Review status: criteria provided, multiple submitters, no conflicts (2 of 4 stars). 2 submissions from 2 submitters: Uncertain significance (2). Last evaluated 2025-12-08.

Conditions:
Cardiomyopathy (CMYO). Also called: Cardiomyopathies. Identifiers: Orphanet 167848, MedGen C0878544, MONDO:0004994, HP:0001638. Inheritance: Various modes of inheritance.

Submissions (2):

Color Diagnostics, LLC DBA Color Health
Classification: Uncertain significance for Cardiomyopathy. Last evaluated: 2025-12-08. Review status: criteria provided, single submitter. Criteria: ACMG Guidelines, 2015. Collection method: clinical testing. Allele origin: germline.
Comment: This variant inserts 2 nucleotides in exon 37 of the MYH7 gene, creating a frameshift and premature translation stop signal. This variant is expected to result in an absent or non-functional protein product. To our knowledge, this variant has not been reported in individuals affected with MYH7-related disorders in the literature. This variant has been identified in 6/1613818 chromosomes in the general population by the Genome Aggregation Database (gnomAD). The available evidence is insufficient to determine the role of this variant in disease conclusively. Therefore, this variant is classified as a Variant of Uncertain Significance.

All of Us Research Program, National Institutes of Health
Classification: Uncertain significance for Cardiomyopathy. Last evaluated: 2024-05-30. Review status: criteria provided, single submitter. Criteria: ACMG Guidelines, 2015. Collection method: clinical testing. Allele origin: germline. Inheritance: Autosomal dominant inheritance. Observed: 2 variant alleles, 2 heterozygotes.
Comment: This variant inserts 2 nucleotides in exon 37 of the MYH7 gene, creating a frameshift and premature translation stop signal. This variant is expected to result in an absent or non-functional protein product. To our knowledge, this variant has not been reported in individuals affected with MYH7-related disorders in the literature. This variant has been identified in 1/251320 chromosomes in the general population by the Genome Aggregation Database (gnomAD). Clinical relevance of loss-of-function MYH7 truncation variants in autosomal dominant cardiovascular disorders is not clearly established. The available evidence is insufficient to determine the role of this variant in disease conclusively. Therefore, this variant is classified as a Variant of Uncertain Significance.

This study involves interpretation of variants in research participants for the purpose of population health screening. Participant phenotype was not available at the time of variant classification. Additional details can be found in publication PMID: 35346344, PMCID: PMC8962531

NM_000257.4(MYH7):c.5468_5469insAT (p.Glu1823_Asn1824insTer)

Gene: MYH7 (myosin heavy chain 7; minus strand). Cytogenetic location: 14q11.2.
Variant type: Insertion.
Coding change: c.5468_5469insAT on transcript NM_000257.4 (MANE Select); coding-DNA positions 5468 to 5469, AT inserted.
Protein change: p.Glu1823_Asn1824insTer.
Molecular consequence: frameshift variant.
Genome position: GRCh38 VCF-style: chr14-23415085-C-CAT. GRCh37 (hg19) VCF-style: chr14-23884294-C-CAT.
Other names: c.5468_5469insAT, p.Glu1823_Asn1824insTer (NM_001407004.1).
Identifiers: ClinVar variation 3387279 (VCV003387279.2).